The following is an entry in ClinVar:

NM_017952.6(PTCD3):c.1918C>G (p.Pro640Ala)

Gene: PTCD3 (pentatricopeptide repeat domain 3; plus strand). Cytogenetic location: 2p11.2.
Variant type: single nucleotide variant.
Coding change: c.1918C>G on transcript NM_017952.6 (MANE Select); coding-DNA position 1918, C replaced by G.
Protein change: p.Pro640Ala; replaces proline 640 with alanine.
Molecular consequence: missense variant.
Genome position (GRCh38, 1-based): chr2:86,137,079, C>G. VCF-style: chr2-86137079-C-G. GRCh37 (hg19) VCF-style: chr2-86364202-C-G.
Other names: short protein forms P640A.
Identifiers: ClinVar variation 2651098 (VCV002651098.26), dbSNP rs144692694, ClinGen allele CA1747707.

ClinVar aggregate classification (germline): Conflicting classifications of pathogenicity. Review status: criteria provided, conflicting classifications (1 of 4 stars). 3 submissions from 3 submitters: Likely pathogenic (1); Likely benign (1). 1 of the submissions does not count toward it. Last evaluated 2025-09-01.

Conditions:
Combined oxidative phosphorylation deficiency 51. Identifiers: MedGen C5436703, MONDO:0033631, OMIM 619057.

Allele frequency attached by ClinVar (database versions not stated): 1000 Genomes Project 30x 0.00016; 1000 Genomes Project 0.00020; ExAC 0.00117; ESP Exome Variant Server 0.00146; gnomAD 0.00151; TOPMed 0.00188.

Submissions (3):

CeGaT Center for Human Genetics Tuebingen
Classification: Likely benign. Last evaluated: 2025-09-01. Review status: criteria provided, single submitter. Criteria: CeGaT Center For Human Genetics Tuebingen Variant Classification Criteria Version 2. Collection method: clinical testing. Allele origin: germline. Affected: yes. Observed: 2 variant alleles.
Comment: PTCD3: BP4, BS2

First Genomix Gene Laboratory, Genetic Diagnostics Department
Classification: Likely pathogenic for Combined oxidative phosphorylation deficiency 51. Last evaluated: 2025-06-04. Review status: criteria provided, single submitter. Criteria: ACMG Guidelines, 2015. Collection method: clinical testing. Allele origin: germline. Inheritance: Autosomal recessive inheritance. Affected: no.

OMIM
Classification: Pathogenic for COMBINED OXIDATIVE PHOSPHORYLATION DEFICIENCY 51. Last evaluated: 2024-02-08. Review status: no assertion criteria provided. Collection method: literature only. Allele origin: germline. Not counted in ClinVar's aggregate classification.

Literature cited by the submitters: PubMed 36450274 (cited by OMIM).